The following is an entry in ClinVar:

NM_000548.5(TSC2):c.3117G>A (p.Thr1039=)

Gene: TSC2 (TSC complex subunit 2; plus strand). Cytogenetic location: 16p13.3.
Variant type: single nucleotide variant.
Coding change: c.3117G>A on transcript NM_000548.5 (MANE Select); coding-DNA position 3117, G replaced by A.
Protein change: p.Thr1039=; no amino-acid change (threonine 1039 retained).
Molecular consequence: synonymous variant.
Genome position (GRCh38, 1-based): chr16:2,079,182, G>A. VCF-style: chr16-2079182-G-A. GRCh37 (hg19) VCF-style: chr16-2129183-G-A.
Other names: c.2985G>A, p.Thr995= (NM_001077183.3, NM_001370404.1); c.3117G>A, p.Thr1039= (NM_001114382.3); c.2877G>A, p.Thr959= (NM_001318827.2); c.2841G>A, p.Thr947= (NM_001318829.2); c.2385G>A, p.Thr795= (NM_001318831.2); c.3018G>A, p.Thr1006= (NM_001318832.2); c.2988G>A, p.Thr996= (NM_001363528.2, NM_001370405.1, NM_021055.3).
Identifiers: ClinVar variation 452788 (VCV000452788.47), dbSNP rs747104674, ClinGen allele CA044251.

ClinVar aggregate classification (germline): Benign/Likely benign. Review status: criteria provided, multiple submitters, no conflicts (2 of 4 stars). 9 submissions from 9 submitters: Benign (2); Likely benign (7). Last evaluated 2025-10-07.

Conditions:
Tuberous sclerosis 2 (TSC2). Identifiers: Orphanet 805, MedGen C1860707, MONDO:0013199, OMIM 613254.
Hereditary cancer-predisposing syndrome. Also called: Hereditary neoplastic syndrome; Neoplastic Syndromes, Hereditary; Hereditary Cancer Syndrome; Tumor predisposition. Identifiers: Orphanet 140162, MedGen C0027672, MeSH D009386, MONDO:0015356.
Tuberous sclerosis syndrome (TSC). Also called: Tuberous Sclerosis Complex; Tuberous sclerosis. Identifiers: Orphanet 805, MedGen C0041341, MONDO:0001734.

Allele frequency attached by ClinVar (database versions not stated): gnomAD exomes 0.00002; ExAC 0.00003; TOPMed 0.00004.
gnomAD v4.1: 25 of 1,612,750 alleles (0.0016%); highest among the groups gnomAD compares: Admixed American, 0.0067%; no homozygotes.

Submissions (9):

Labcorp Genetics (formerly Invitae), Labcorp
Classification: Benign for Tuberous sclerosis 2. Last evaluated: 2025-10-07. Review status: criteria provided, single submitter. Criteria: Invitae Variant Classification Sherloc (09022015). Collection method: clinical testing. Allele origin: germline.

Myriad Genetics, Inc.
Classification: Likely benign for Tuberous sclerosis 2. Last evaluated: 2024-08-15. Review status: criteria provided, single submitter. Criteria: Myriad Autosomal Dominant, Autosomal Recessive and X-Linked Classification Criteria (2023). Collection method: clinical testing. Allele origin: unknown.
Comment: This variant is considered likely benign. This variant has been observed at a population frequency that is significantly greater than expected given the associated disease prevalence and penetrance.

All of Us Research Program, National Institutes of Health
Classification: Likely benign for Tuberous sclerosis syndrome. Last evaluated: 2023-12-01. Review status: criteria provided, single submitter. Criteria: ACMG Guidelines, 2015. Collection method: clinical testing. Allele origin: germline. Inheritance: Autosomal dominant inheritance. Observed: 9 variant alleles, 9 heterozygotes.
Comment: This study involves interpretation of variants in research participants for the purpose of population health screening. Participant phenotype was not available at the time of variant classification. Additional details can be found in publication PMID: 35346344, PMCID: PMC8962531

CeGaT Center for Human Genetics Tuebingen
Classification: Likely benign. Last evaluated: 2023-03-01. Review status: criteria provided, single submitter. Criteria: CeGaT Center For Human Genetics Tuebingen Variant Classification Criteria Version 2. Collection method: clinical testing. Allele origin: germline. Affected: yes. Observed: 1 variant allele.
Comment: TSC2: BP4, BP7

Color Diagnostics, LLC DBA Color Health
Classification: Likely benign for Tuberous sclerosis syndrome. Last evaluated: 2022-09-28. Review status: criteria provided, single submitter. Criteria: ACMG Guidelines, 2015. Collection method: clinical testing. Allele origin: germline.

Sema4
Classification: Likely benign for Hereditary cancer-predisposing syndrome. Last evaluated: 2022-03-09. Review status: criteria provided, single submitter. Criteria: Sema4 Curation Guidelines. Collection method: curation. Allele origin: germline.

Genome-Nilou Lab
Classification: Benign for Tuberous sclerosis 2. Last evaluated: 2021-11-07. Review status: criteria provided, single submitter. Criteria: ACMG Guidelines, 2015. Collection method: clinical testing. Allele origin: germline. Affected: no.

GeneDx
Classification: Likely benign. Last evaluated: 2020-08-04. Review status: criteria provided, single submitter. Criteria: GeneDx Variant Classification Process June 2021. Collection method: clinical testing. Allele origin: germline. Affected: yes.

Ambry Genetics
Classification: Likely benign for Hereditary cancer-predisposing syndrome. Last evaluated: 2016-07-15. Review status: criteria provided, single submitter. Criteria: Ambry Variant Classification Scheme 2023. Collection method: clinical testing. Allele origin: germline.